The following is an entry in ClinVar:

NM_000059.4(BRCA2):c.4885A>T (p.Thr1629Ser)

Gene: BRCA2 (BRCA2 DNA repair associated; plus strand). Cytogenetic location: 13q13.1.
Variant type: single nucleotide variant.
Coding change: c.4885A>T on transcript NM_000059.4 (MANE Select); coding-DNA position 4885, A replaced by T.
Protein change: p.Thr1629Ser; replaces threonine 1629 with serine.
Molecular consequence: missense variant.
Genome position (GRCh38, 1-based): chr13:32,339,240, A>T. VCF-style: chr13-32339240-A-T. GRCh37 (hg19) VCF-style: chr13-32913377-A-T.
Other names: short protein forms T1629S.
Identifiers: ClinVar variation 1495482 (VCV001495482.7), dbSNP rs879255455, ClinGen allele CA387783507.

ClinVar aggregate classification (germline): Conflicting classifications of pathogenicity. Review status: criteria provided, conflicting classifications (1 of 4 stars). 2 submissions from 2 submitters: Uncertain significance (1); Likely benign (1). Last evaluated 2023-03-23.

Conditions:
Hereditary cancer-predisposing syndrome. Also called: Tumor predisposition; Hereditary neoplastic syndrome; Neoplastic Syndromes, Hereditary; Hereditary Cancer Syndrome. Identifiers: Orphanet 140162, MedGen C0027672, MeSH D009386, MONDO:0015356.
Hereditary breast ovarian cancer syndrome. Also called: BRCA1- and BRCA2-Associated Hereditary Breast and Ovarian Cancer; Hereditary breast and ovarian cancer; Hereditary breast and/or ovarian cancer syndrome; Hereditary breast and ovarian cancer syndrome; Hereditary breast and ovarian cancer syndrome (HBOC); Breast and ovarian cancer. Identifiers: Orphanet 145, MedGen C0677776, MeSH D061325, MONDO:0003582. Disease mechanism: loss of function.

Submissions (2):

University of Washington Department of Laboratory Medicine, University of Washington
Classification: Likely benign for Hereditary cancer-predisposing syndrome. Last evaluated: 2023-03-23. Review status: criteria provided, single submitter. Criteria: Dines et al. (Genet Med. 2020). Collection method: curation. Allele origin: germline.
Comment: Missense variant in a coldspot region where missense variants are very unlikely to be pathogenic (PMID:31911673).

BRCA2 exon 11 coldspot. Reclassification based on statistical prior probability.

Labcorp Genetics (formerly Invitae), Labcorp
Classification: Uncertain significance for Hereditary breast ovarian cancer syndrome. Last evaluated: 2021-10-09. Review status: criteria provided, single submitter. Criteria: Invitae Variant Classification Sherloc (09022015). Collection method: clinical testing. Allele origin: germline.
Comment: In summary, the available evidence is currently insufficient to determine the role of this variant in disease. Therefore, it has been classified as a Variant of Uncertain Significance. Advanced modeling of protein sequence and biophysical properties (such as structural, functional, and spatial information, amino acid conservation, physicochemical variation, residue mobility, and thermodynamic stability) performed at Invitae indicates that this missense variant is not expected to disrupt BRCA2 protein function. This variant has not been reported in the literature in individuals affected with BRCA2-related conditions. This variant is not present in population databases (ExAC no frequency). This sequence change replaces threonine with serine at codon 1629 of the BRCA2 protein (p.Thr1629Ser). The threonine residue is weakly conserved and there is a small physicochemical difference between threonine and serine.